The following is an entry in ClinVar:

ClinVar aggregate classification (germline): Uncertain significance (1 of 4 stars; one submission).

Conditions:
EGFR-related lung cancer (EGFR). Identifiers: MedGen CN130014.

Submission:

Labcorp Genetics (formerly Invitae), Labcorp
Classification: Uncertain significance for EGFR-related lung cancer. Last evaluated: 2020-11-12. Review status: criteria provided, single submitter. Criteria: Invitae Variant Classification Sherloc (09022015). Collection method: clinical testing. Allele origin: germline.
Comment: In summary, the available evidence is currently insufficient to determine the role of this variant in disease. Therefore, it has been classified as a Variant of Uncertain Significance. Algorithms developed to predict the effect of missense changes on protein structure and function are either unavailable or do not agree on the potential impact of this missense change (SIFT: "Deleterious"; PolyPhen-2: "Probably Damaging"; Align-GVGD: "Class C15"). This variant has not been reported in the literature in individuals with EGFR-related conditions. This variant is not present in population databases (ExAC no frequency). This sequence change replaces cysteine with tryptophan at codon 628 of the EGFR protein (p.Cys628Trp). The cysteine residue is highly conserved and there is a large physicochemical difference between cysteine and tryptophan.

NM_005228.5(EGFR):c.1884C>G (p.Cys628Trp)

Gene: EGFR (epidermal growth factor receptor; plus strand). Cytogenetic location: 7p11.2.
Variant type: single nucleotide variant.
Coding change: c.1884C>G on transcript NM_005228.5 (MANE Select); coding-DNA position 1884, C replaced by G.
Protein change: p.Cys628Trp; replaces cysteine 628 with tryptophan.
Molecular consequence: missense variant.
Genome position (GRCh38, 1-based): chr7:55,171,178, C>G. VCF-style: chr7-55171178-C-G. GRCh37 (hg19) VCF-style: chr7-55238871-C-G.
Other names: c.1749C>G, p.Cys583Trp (NM_001346897.2, NM_001346899.2); c.1884C>G, p.Cys628Trp (NM_001346898.2); c.1725C>G, p.Cys575Trp (NM_001346900.2); c.1083C>G, p.Cys361Trp (NM_001346941.2); short protein forms C575W, C361W, C583W, C628W.
Identifiers: ClinVar variation 1466576 (VCV001466576.7), dbSNP rs2128951357, ClinGen allele CA367582246.